The following is an entry in ClinVar:

ClinVar aggregate classification (germline): Conflicting classifications of pathogenicity. Review status: criteria provided, conflicting classifications (1 of 4 stars). 3 submissions from 3 submitters: Uncertain significance (1); Likely benign (2). Last evaluated 2026-04-01.

Conditions:
Inborn genetic diseases. Identifiers: MedGen C0950123, MeSH D030342.
Hereditary sensory neuropathy-deafness-dementia syndrome. Also called: Hereditary sensory neuropathy type IE; HSN IE; Hereditary Sensory and Autonomic Neuropathy Type 1E (HSAN1E); NEUROPATHY, HEREDITARY SENSORY, WITH HEARING LOSS AND DEMENTIA. Identifiers: Orphanet 456318, MedGen C3279885, MONDO:0013584, OMIM 614116.

Allele frequency attached by ClinVar (database versions not stated): TOPMed 0.00004.
gnomAD v4.1: 33 of 1,613,560 alleles (0.002%); highest among the groups gnomAD compares: East Asian, 0.033%; no homozygotes.

Submissions (5):

CeGaT Center for Human Genetics Tuebingen
Classification: Likely benign. Last evaluated: 2026-04-01. Review status: criteria provided, single submitter. Criteria: CeGaT Center For Human Genetics Tuebingen Variant Classification Criteria Version 2. Collection method: clinical testing. Allele origin: germline. Affected: yes. Observed: 1 variant allele.
Comment: DNMT1: BP4

Labcorp Genetics (formerly Invitae), Labcorp
Classification: Uncertain significance for Hereditary sensory neuropathy-deafness-dementia syndrome. Last evaluated: 2026-01-08. Review status: criteria provided, single submitter. Criteria: Invitae Variant Classification Sherloc (09022015). Collection method: clinical testing. Allele origin: germline.
Comment: This sequence change replaces threonine, which is neutral and polar, with arginine, which is basic and polar, at codon 137 of the DNMT1 protein (p.Thr137Arg). This variant is present in population databases (rs377146699, gnomAD 0.04%). This variant has not been reported in the literature in individuals affected with DNMT1-related conditions. ClinVar contains an entry for this variant (Variation ID: 949009). An algorithm developed to predict the effect of missense changes on protein structure and function (PolyPhen-2) suggests that this variant is likely to be tolerated. In summary, the available evidence is currently insufficient to determine the role of this variant in disease. Therefore, it has been classified as a Variant of Uncertain Significance.

Ambry Genetics
Classification: Likely benign for Inborn genetic diseases. Last evaluated: 2021-10-14. Review status: criteria provided, single submitter. Criteria: Ambry Variant Classification Scheme 2023. Collection method: clinical testing. Allele origin: germline.

Dr. Peter K. Rogan Lab, Western University
No classification provided (evidence only). Condition: Melanoma. Review status: no classification provided. Collection method: in vitro. Allele origin: not applicable. Functional consequence: retained intron. Not counted in ClinVar's aggregate classification.

Dr. Peter K. Rogan Lab, Western University
No classification provided (evidence only). Condition: Hepatocellular carcinoma. Review status: no classification provided. Collection method: in vitro. Allele origin: not applicable. Functional consequence: retained intron. Not counted in ClinVar's aggregate classification.

NM_001130823.3(DNMT1):c.410C>G (p.Thr137Arg)

Gene: DNMT1 (DNA methyltransferase 1; minus strand). Cytogenetic location: 19p13.2.
Variant type: single nucleotide variant.
Coding change: c.410C>G on transcript NM_001130823.3 (MANE Select); coding-DNA position 410, C replaced by G.
Protein change: p.Thr137Arg; replaces threonine 137 with arginine.
Molecular consequence: missense variant.
Genome position (GRCh38, 1-based): chr19:10,180,385, G>C on the plus strand (C>G on the coding strand, the complement: DNMT1 is on the minus strand). VCF-style: chr19-10180385-G-C. GRCh37 (hg19) VCF-style: chr19-10291061-G-C.
Other names: c.410C>G, p.Thr137Arg (NM_001318730.2, NM_001379.4); c.47C>G, p.Thr16Arg (NM_001318731.2); short protein forms T16R, T137R.
Identifiers: ClinVar variation 949009 (VCV000949009.14), dbSNP rs377146699, ClinGen allele CA9188760.